The following is an entry in ClinVar:

ClinVar aggregate classification (germline): Uncertain significance. Review status: criteria provided, multiple submitters, no conflicts (2 of 4 stars). 2 submissions from 2 submitters: Uncertain significance (2). Last evaluated 2025-11-20.

Conditions:
Inborn genetic diseases. Identifiers: MedGen C0950123, MeSH D030342.

Allele frequency attached by ClinVar (database versions not stated): TOPMed below 0.00001; ExAC 0.00001; gnomAD 0.00001; gnomAD exomes 0.00002.
gnomAD v4.1: 7 of 1,608,290 alleles (0.00044%); highest among the groups gnomAD compares: Admixed American, 0.012%; no homozygotes.

Submissions (2):

Ambry Genetics
Classification: Uncertain significance for Inborn genetic diseases. Last evaluated: 2025-11-20. Review status: criteria provided, single submitter. Criteria: Ambry Variant Classification Scheme 2023. Collection method: clinical testing. Allele origin: germline.

Labcorp Genetics (formerly Invitae), Labcorp
Classification: Uncertain significance. Last evaluated: 2025-04-17. Review status: criteria provided, single submitter. Criteria: Invitae Variant Classification Sherloc (09022015). Collection method: clinical testing. Allele origin: germline.
Comment: This sequence change replaces histidine, which is basic and polar, with tyrosine, which is neutral and polar, at codon 566 of the LBR protein (p.His566Tyr). This variant is present in population databases (rs755731775, gnomAD 0.02%). This variant has not been reported in the literature in individuals affected with LBR-related conditions. ClinVar contains an entry for this variant (Variation ID: 1503798). Invitae Evidence Modeling of protein sequence and biophysical properties (such as structural, functional, and spatial information, amino acid conservation, physicochemical variation, residue mobility, and thermodynamic stability) indicates that this missense variant is expected to disrupt LBR protein function with a positive predictive value of 80%. In summary, the available evidence is currently insufficient to determine the role of this variant in disease. Therefore, it has been classified as a Variant of Uncertain Significance.

NM_002296.4(LBR):c.1696C>T (p.His566Tyr)

Gene: LBR (lamin B receptor; minus strand). Cytogenetic location: 1q42.12.
Variant type: single nucleotide variant.
Coding change: c.1696C>T on transcript NM_002296.4 (MANE Select); coding-DNA position 1696, C replaced by T.
Protein change: p.His566Tyr; replaces histidine 566 with tyrosine.
Molecular consequence: missense variant.
Genome position (GRCh38, 1-based): chr1:225,403,455, G>A on the plus strand (C>T on the coding strand, the complement: LBR is on the minus strand). VCF-style: chr1-225403455-G-A. GRCh37 (hg19) VCF-style: chr1-225591157-G-A.
Other names: c.1696C>T (NM_002296.3); c.1696C>T, p.His566Tyr (NM_194442.3); short protein forms H566Y.
Identifiers: ClinVar variation 1503798 (VCV001503798.9), dbSNP rs755731775, ClinGen allele CA1417048.